The following is an entry in ClinVar:

NM_003073.5(SMARCB1):c.563C>T (p.Pro188Leu)

Gene: SMARCB1 (SWI/SNF related BAF chromatin remodeling complex subunit B1; plus strand). Cytogenetic location: 22q11.23.
Variant type: single nucleotide variant.
Coding change: c.563C>T on transcript NM_003073.5 (MANE Select); coding-DNA position 563, C replaced by T.
Protein change: p.Pro188Leu; replaces proline 188 with leucine.
Molecular consequence: missense variant.
Genome position (GRCh38, 1-based): chr22:23,803,357, C>T. VCF-style: chr22-23803357-C-T. GRCh37 (hg19) VCF-style: chr22-24145544-C-T.
Other names: c.536C>T, p.Pro179Leu (NM_001007468.3); c.590C>T, p.Pro197Leu (NM_001317946.2); c.617C>T, p.Pro206Leu (NM_001362877.2); short protein forms P188L, P179L, P197L, P206L.
Identifiers: ClinVar variation 4550221 (VCV004550221.1), dbSNP rs137986695.
Genomic context (GRCh38, chr22:23,803,357, plus strand): 5'-TTGATGACCATGACCCAGCTGTGATCCATGAGAACGCATCTCAGCCCGAGGTGCTGGTCC[C>T]CATCCGGCTGGACATGGAGATCGATGGGCAGAAGCTGCGAGACGCCTTCACCTGGAACAT-3'
Protein context (NP_003064.2, residues 178-198): ENASQPEVLV[Pro188Leu]IRLDMEIDGQ

ClinVar aggregate classification (germline): Uncertain significance (1 of 4 stars; one submission).

Conditions:
Hereditary cancer-predisposing syndrome. Also called: Tumor predisposition; Hereditary Cancer Syndrome; Hereditary neoplastic syndrome; Neoplastic Syndromes, Hereditary. Identifiers: Orphanet 140162, MedGen C0027672, MeSH D009386, MONDO:0015356.

Submission:

Ambry Genetics
Classification: Uncertain significance for Hereditary cancer-predisposing syndrome. Last evaluated: 2025-11-20. Review status: criteria provided, single submitter. Criteria: Ambry Variant Classification Scheme 2023. Collection method: clinical testing. Allele origin: germline.
Comment: The p.P188L variant (also known as c.563C>T), located in coding exon 5 of the SMARCB1 gene, results from a C to T substitution at nucleotide position 563. The proline at codon 188 is replaced by leucine, an amino acid with similar properties. This amino acid position is highly conserved in available vertebrate species. In addition, this alteration is predicted to be deleterious by in silico analysis. Based on the available evidence, the clinical significance of this variant remains unclear.